The following is an entry in ClinVar:

ClinVar aggregate classification (germline): Uncertain significance. Review status: criteria provided, multiple submitters, no conflicts (2 of 4 stars). 3 submissions from 3 submitters: Uncertain significance (3). Last evaluated 2026-03-12.

Conditions:
Inborn genetic diseases. Identifiers: MedGen C0950123, MeSH D030342.
Autosomal recessive limb-girdle muscular dystrophy type 2A (LGMDR1). Also called: LEYDEN-MOEBIUS MUSCULAR DYSTROPHY; Limb-girdle muscular dystrophy, type 2A; Calpainopathy; MUSCULAR DYSTROPHY, PELVOFEMORAL; Muscular dystrophy, limb-girdle, type 2A, Amish. Identifiers: Orphanet 267, MedGen C1869123, MONDO:0009675, OMIM 253600. Disease mechanism: loss of function.

gnomAD v4.1: 4 of 1,613,972 alleles (0.00025%); no homozygotes.

Submissions (3):

Ambry Genetics
Classification: Uncertain significance for Inborn genetic diseases. Last evaluated: 2026-03-12. Review status: criteria provided, single submitter. Criteria: Ambry Variant Classification Scheme 2023. Collection method: clinical testing. Allele origin: germline.

Labcorp Genetics (formerly Invitae), Labcorp
Classification: Uncertain significance for Autosomal recessive limb-girdle muscular dystrophy type 2A. Last evaluated: 2025-12-19. Review status: criteria provided, single submitter. Criteria: Invitae Variant Classification Sherloc (09022015). Collection method: clinical testing. Allele origin: germline.
Comment: This sequence change replaces alanine, which is neutral and non-polar, with valine, which is neutral and non-polar, at codon 385 of the CAPN3 protein (p.Ala385Val). This variant is not present in population databases (gnomAD no frequency). This missense change has been observed in individual(s) with limb-girdle muscular weakness (PMID: 39678382). ClinVar contains an entry for this variant (Variation ID: 1410463). Invitae Evidence Modeling of protein sequence and biophysical properties (such as structural, functional, and spatial information, amino acid conservation, physicochemical variation, residue mobility, and thermodynamic stability) indicates that this missense variant is not expected to disrupt CAPN3 protein function with a negative predictive value of 80%. In summary, the available evidence is currently insufficient to determine the role of this variant in disease. Therefore, it has been classified as a Variant of Uncertain Significance.

Myriad Genetics, Inc.
Classification: Uncertain significance for Autosomal recessive limb-girdle muscular dystrophy type 2A. Last evaluated: 2025-11-13. Review status: criteria provided, single submitter. Criteria: Myriad Autosomal Dominant, Autosomal Recessive and X-Linked Classification Criteria (2023). Collection method: clinical testing. Allele origin: unknown.
Comment: NM_000070.2(CAPN3):c.1154C>T(A385V) is a missense variant classified as a variant of uncertain significance in the context of calpainopathy. A385V has not been observed in cases with relevant disease. Relevant functional assessments of this variant are not available in the literature. A385V has not been observed in referenced population frequency databases. In summary, there is insufficient evidence to classify NM_000070.2(CAPN3):c.1154C>T(A385V) as pathogenic or benign. Please note: this variant was assessed in the context of healthy population screening.

Literature cited by the submitters: PubMed 39678382 (cited by Labcorp Genetics (formerly Invitae), Labcorp).

NM_000070.3(CAPN3):c.1154C>T (p.Ala385Val)

Gene: CAPN3 (calpain 3; plus strand). Cytogenetic location: 15q15.1.
Variant type: single nucleotide variant.
Coding change: c.1154C>T on transcript NM_000070.3 (MANE Select); coding-DNA position 1154, C replaced by T.
Protein change: p.Ala385Val; replaces alanine 385 with valine.
Molecular consequence: missense variant.
Genome position (GRCh38, 1-based): chr15:42,396,838, C>T. VCF-style: chr15-42396838-C-T. GRCh37 (hg19) VCF-style: chr15-42689036-C-T.
Other names: c.1154C>T (NM_000070.2); c.1154C>T, p.Ala385Val (NM_024344.2); c.1010C>T, p.Ala337Val (NM_173087.2); short protein forms A337V, A385V.
Identifiers: ClinVar variation 1410463 (VCV001410463.8), dbSNP rs934135114, ClinGen allele CA269841788.